The following is an entry in ClinVar:

NM_001035.3(RYR2):c.11837G>T (p.Gly3946Val)

Gene: RYR2 (ryanodine receptor 2; plus strand). Cytogenetic location: 1q43.
Variant type: single nucleotide variant.
Coding change: c.11837G>T on transcript NM_001035.3 (MANE Select); coding-DNA position 11837, G replaced by T.
Protein change: p.Gly3946Val; replaces glycine 3946 with valine.
Molecular consequence: missense variant.
Genome position (GRCh38, 1-based): chr1:237,778,727, G>T. VCF-style: chr1-237778727-G-T. GRCh37 (hg19) VCF-style: chr1-237942027-G-T.
Other names: short protein forms G3946V.
Identifiers: ClinVar variation 4614849 (VCV004614849.1).

ClinVar aggregate classification (germline): Likely pathogenic (1 of 4 stars; one submission).

Conditions:
Cardiovascular phenotype. Identifiers: MedGen CN230736.

Submission:

Ambry Genetics
Classification: Likely pathogenic for Cardiovascular phenotype. Last evaluated: 2025-09-24. Review status: criteria provided, single submitter. Criteria: Ambry Variant Classification Scheme 2023. Collection method: clinical testing. Allele origin: germline.
Comment: The p.G3946V variant (also known as c.11837G>T), located in coding exon 88 of the RYR2 gene, results from a G to T substitution at nucleotide position 11837. The glycine at codon 3946 is replaced by valine, an amino acid with dissimilar properties. This variant was reported in individual(s) with features consistent with RYR2-related ventricular arrhythmia; in at least one individual, it was determined to be de novo (Shimamoto K et al. Heart, 2022 May;108:840-847). This missense alteration is located in a region that has a low rate of benign missense variation (Lek M et al. Nature. 2016 Aug 18;536(7616):285-91; DECIPHER: Database of Chromosomal Imbalance and Phenotype in Humans using Ensembl Resources. Firth H.V. et al. 2009. Am.J.Hum.Genet. 84, 524-533 (DOI)). This amino acid position is highly conserved in available vertebrate species. In addition, this alteration is predicted to be deleterious by in silico analysis. This variant is considered to be rare based on population cohorts in the Genome Aggregation Database (gnomAD). Based on the majority of available evidence to date, this variant is likely to be pathogenic.

Literature cited by the submitters: PubMed 35135837.